The following is an entry in ClinVar:

ClinVar aggregate classification (germline): Uncertain significance. Review status: criteria provided, multiple submitters, no conflicts (2 of 4 stars). 2 submissions from 2 submitters: Uncertain significance (2). Last evaluated 2026-03-30.

Conditions:
Congenital myopathy with internal nuclei and atypical cores. Also called: Myopathy, centronuclear, 4. Identifiers: Orphanet 319160, MedGen C4707232, MONDO:0013890, OMIM 614807.
CCDC78-related disorder. Also called: CCDC78-related condition.

Submissions (2):

PreventionGenetics, part of Exact Sciences
Classification: Uncertain significance for CCDC78-related condition. Last evaluated: 2026-03-30. Review status: criteria provided, single submitter. Criteria: ACMG Guidelines, 2015. Collection method: clinical testing. Allele origin: germline.
Comment: The CCDC78 c.560_560+3delTGTG variant is predicted to result in an in-frame deletion (p.?). This variant is predicted to weaken the canonical donor site and activate a cryptic donor site within the exon. If this new cryptic site is used, it would result in the loss of four nucleotides from the end of the exon and a coding frameshift, but the impact of this variant on the protein is uncertain (p.?) (SpliceAI, Jaganathan et al. 2019. PubMed ID: 30661751). The use of computer prediction programs is not equivalent to functional evidence. Loss of function is not an established mechanism of CCDC78 associated disease. To our knowledge, this variant has not been reported in the literature or in a large population database (gnomAD), indicating this variant is rare. At this time, the clinical significance of this variant is uncertain due to the absence of conclusive functional and genetic evidence.

Labcorp Genetics (formerly Invitae), Labcorp
Classification: Uncertain significance for Congenital myopathy with internal nuclei and atypical cores. Last evaluated: 2023-04-10. Review status: criteria provided, single submitter. Criteria: Invitae Variant Classification Sherloc (09022015). Collection method: clinical testing. Allele origin: germline.
Comment: In summary, the available evidence is currently insufficient to determine the role of this variant in disease. Therefore, it has been classified as a Variant of Uncertain Significance. Algorithms developed to predict the effect of sequence changes on RNA splicing suggest that this variant may disrupt the consensus splice site. This variant has not been reported in the literature in individuals affected with CCDC78-related conditions. This variant is not present in population databases (gnomAD no frequency). This variant results in the deletion of part of exon 6 (c.560_560+3del) of the CCDC78 gene. It is expected to disrupt RNA splicing. Variants that disrupt the donor or acceptor splice site typically lead to a loss of protein function (PMID: 16199547), however the current clinical and genetic evidence is not sufficient to establish whether loss-of-function variants in CCDC78 cause disease.

Literature cited by the submitters: PubMed 16199547 (cited by Labcorp Genetics (formerly Invitae), Labcorp).

NM_001378030.1(CCDC78):c.560_560+3del

Gene: CCDC78 (coiled-coil domain containing 78; minus strand). Cytogenetic location: 16p13.3.
Variant type: Microsatellite.
Coding change: c.560_560+3del on transcript NM_001378030.1 (MANE Select); coding-DNA position 560 through 3 bases into the intron after coding-DNA position 560, 4 bases deleted (TGTG; older notation c.560_560+3delTGTG).
Molecular consequence: splice donor variant. On other transcripts: non-coding transcript variant (3).
Genome position (GRCh38, 1-based): chr16:725,075-725,078, CACA deleted on the plus strand (TGTG on the coding strand, the reverse complement: CCDC78 is on the minus strand); deleting any 4 consecutive bases within chr16:725,075-725,081 gives the same sequence; the c. name uses the placement nearest the transcript's 3' end. VCF-style (leftmost placement, unchanged base first): chr16-725074-TCACA-T. GRCh37 (hg19) VCF-style: chr16-775074-TCACA-T.
Other names: c.560_560+3delTGTG (NM_001031737.2); c.198_198+3del (NM_001378033.1); c.560_560+3del (NM_001378031.1, NM_001031737.3).
Identifiers: ClinVar variation 2727291 (VCV002727291.4), ClinGen allele CA276520070.